The following is an entry in ClinVar:

ClinVar aggregate classification (germline): Pathogenic. Review status: criteria provided, multiple submitters, no conflicts (2 of 4 stars). 3 submissions from 3 submitters: Pathogenic (3). Last evaluated 2026-05-11.

Conditions:
Hereditary cancer-predisposing syndrome. Also called: Neoplastic Syndromes, Hereditary; Hereditary Cancer Syndrome; Tumor predisposition; Hereditary neoplastic syndrome. Identifiers: Orphanet 140162, MedGen C0027672, MeSH D009386, MONDO:0015356.
Ataxia-telangiectasia syndrome (AT). Also called: LOUIS-BAR SYNDROME; Cerebello-oculocutaneous telangiectasia; Immunodeficiency with ataxia telangiectasia; Ataxia-telangiectasia, complementation group D; AT, COMPLEMENTATION GROUP C; Ataxia-telangiectasia, complementation group E. Identifiers: Orphanet 100, MedGen C0004135, MONDO:0008840, OMIM 208900.

Submissions (3):

Ambry Genetics
Classification: Pathogenic for Hereditary cancer-predisposing syndrome. Last evaluated: 2026-05-11. Review status: criteria provided, single submitter. Criteria: Ambry Variant Classification Scheme 2023. Collection method: clinical testing. Allele origin: germline.
Comment: The c.7701_7702delCA variant, located in coding exon 51 of the ATM gene, results from a deletion of two nucleotides at nucleotide positions 7701 to 7702, causing a translational frameshift with a predicted alternate stop codon (p.N2567Kfs*3). This variant is considered to be rare based on population cohorts in the Genome Aggregation Database (gnomAD). This alteration is expected to result in loss of function by premature protein truncation or nonsense-mediated mRNA decay. As such, this alteration is interpreted as a disease-causing mutation.

Labcorp Genetics (formerly Invitae), Labcorp
Classification: Pathogenic for Ataxia-telangiectasia syndrome. Last evaluated: 2024-01-04. Review status: criteria provided, single submitter. Criteria: Invitae Variant Classification Sherloc (09022015). Collection method: clinical testing. Allele origin: germline.
Comment: This sequence change creates a premature translational stop signal (p.Asn2567Lysfs*3) in the ATM gene. It is expected to result in an absent or disrupted protein product. Loss-of-function variants in ATM are known to be pathogenic (PMID: 23807571, 25614872). This variant is not present in population databases (gnomAD no frequency). This variant has not been reported in the literature in individuals affected with ATM-related conditions. ClinVar contains an entry for this variant (Variation ID: 418675). Algorithms developed to predict the effect of sequence changes on RNA splicing suggest that this variant may disrupt the consensus splice site. For these reasons, this variant has been classified as Pathogenic.

GeneDx
Classification: Pathogenic. Last evaluated: 2015-03-09. Review status: criteria provided, single submitter. Criteria: GeneDx Variant Classification (06012015). Collection method: clinical testing. Allele origin: germline. Affected: yes.
Comment: This deletion of 2 nucleotides in ATM is denoted c.7701_7702delCA at the cDNA level and p.Asn2567LysfsX3 (N2567KfsX3) at the protein level. The normal sequence, with the bases that are deleted in brackets, is CAAA[CA]GAGA. The deletion causes a frameshift, which changes an Asparagine to a Lysine at codon 2567, and creates a premature stop codon at position 3 of the new reading frame. Although this variant has not, to our knowledge, been reported in the literature, it is predicted to cause loss of normal protein function through either protein truncation or nonsense-mediated mRNA decay. we consider this variant to be pathogenic.The presence of

Literature cited by the submitters: PubMed 23807571 (cited by Labcorp Genetics (formerly Invitae), Labcorp); PubMed 25614872 (cited by Labcorp Genetics (formerly Invitae), Labcorp).

NM_000051.4(ATM):c.7701_7702del (p.Asn2567fs)

Genes: ATM (ATM serine/threonine kinase; plus strand), C11orf65 (chromosome 11 open reading frame 65; minus strand). Cytogenetic location: 11q22.3.
Variant type: Deletion.
Coding change: c.7701_7702del on transcript NM_000051.4 (MANE Select); coding-DNA positions 7701 to 7702, 2 bases deleted (CA; older notation c.7701_7702delCA).
Protein change: p.Asn2567fs; shifts the reading frame from asparagine 2567.
Molecular consequence: frameshift variant. On other transcripts: intron variant (2).
Genome position (GRCh38, 1-based): chr11:108,331,950-108,331,951, CA deleted; deleting any 2 consecutive bases within chr11:108,331,949-108,331,951 gives the same sequence; the c. name uses the placement nearest the transcript's 3' end. VCF-style (leftmost placement, unchanged base first): chr11-108331948-AAC-A. GRCh37 (hg19) VCF-style: chr11-108202675-AAC-A.
Other names: c.7701_7702del, p.Asn2567fs (NM_001351834.2); c.641-22879_641-22878del (NM_001330368.2); c.*38+3270_*38+3271del (NM_001351110.2); short protein forms N2567fs.
Identifiers: ClinVar variation 418675 (VCV000418675.11), dbSNP rs1064793359, ClinGen allele CA16619237.